The following is an entry in ClinVar:

ClinVar aggregate classification (germline): Benign/Likely benign. Review status: criteria provided, multiple submitters, no conflicts (2 of 4 stars). 2 submissions from 2 submitters: Benign (1); Likely benign (1). Last evaluated 2025-01-03.

Conditions:
Lynch syndrome 5 (LYNCH5). Also called: Colorectal cancer, hereditary nonpolyposis, type 5; Hereditary non-polyposis colorectal cancer, type 5. Identifiers: Orphanet 144, MedGen C1833477, MONDO:0013710, OMIM 614350. Disease mechanism: loss of function.
Hereditary cancer-predisposing syndrome. Also called: Neoplastic Syndromes, Hereditary; Tumor predisposition; Hereditary neoplastic syndrome; Hereditary Cancer Syndrome. Identifiers: Orphanet 140162, MedGen C0027672, MeSH D009386, MONDO:0015356.

Allele frequency attached by ClinVar (database versions not stated): gnomAD exomes below 0.00001.
gnomAD v4.1: 1 of 1,614,116 alleles (0.000062%); highest among the groups gnomAD compares: Middle Eastern, 0.016%; no homozygotes.

Submissions (2):

Myriad Genetics, Inc.
Classification: Benign for Lynch syndrome 5. Last evaluated: 2025-01-03. Review status: criteria provided, single submitter. Criteria: Myriad Autosomal Dominant, Autosomal Recessive and X-Linked Classification Criteria (2023). Collection method: clinical testing. Allele origin: unknown.
Comment: This variant is considered benign. This variant is a silent/synonymous amino acid change and it is not expected to impact splicing.

Color Diagnostics, LLC DBA Color Health
Classification: Likely benign for Hereditary cancer-predisposing syndrome. Last evaluated: 2018-10-02. Review status: criteria provided, single submitter. Criteria: ACMG Guidelines, 2015. Collection method: clinical testing. Allele origin: germline.

NM_000179.3(MSH6):c.2847G>A (p.Gln949=)

Gene: MSH6 (mutS homolog 6; plus strand). Cytogenetic location: 2p16.3.
Variant type: single nucleotide variant.
Coding change: c.2847G>A on transcript NM_000179.3 (MANE Select); coding-DNA position 2847, G replaced by A.
Protein change: p.Gln949=; no amino-acid change (glutamine 949 retained).
Molecular consequence: synonymous variant.
Genome position (GRCh38, 1-based): chr2:47,800,830, G>A. VCF-style: chr2-47800830-G-A. GRCh37 (hg19) VCF-style: chr2-48027969-G-A.
Other names: c.2457G>A, p.Gln819= (NM_001281492.2); c.1941G>A, p.Gln647= (NM_001281493.2, NM_001281494.2).
Identifiers: ClinVar variation 629443 (VCV000629443.3), dbSNP rs1161502314, ClinGen allele CA426121836.
Genomic context (GRCh38, chr2:47,800,830, plus strand): 5'-CAAAGCAGGCTTTGACTCTGATTATGACCAAGCTCTTGCTGACATAAGAGAAAATGAACA[G>A]AGCCTCCTGGAATACCTAGAGAAACAGCGCAACAGAATTGGCTGTAGGACCATAGTCTAT-3'
Protein context (NP_000170.1, residues 939-959): QALADIRENE[Gln949=]SLLEYLEKQR